The following is an entry in ClinVar:

ClinVar aggregate classification (germline): Uncertain significance (1 of 4 stars; one submission).

Conditions:
Adenylosuccinate lyase deficiency (ADSLD). Also called: ADSL DEFICIENCY. Identifiers: Orphanet 46, MedGen C0268126, MONDO:0007068, OMIM 103050.

Submission:

Labcorp Genetics (formerly Invitae), Labcorp
Classification: Uncertain significance for Adenylosuccinate lyase deficiency. Last evaluated: 2022-08-23. Review status: criteria provided, single submitter. Criteria: Invitae Variant Classification Sherloc (09022015). Collection method: clinical testing. Allele origin: germline.
Comment: This variant occurs in a non-coding region of the ADSL gene. It does not change the encoded amino acid sequence of the ADSL protein. This variant is not present in population databases (gnomAD no frequency). This variant has not been reported in the literature in individuals affected with ADSL-related conditions. Experimental studies and prediction algorithms are not available or were not evaluated, and the functional significance of this variant is currently unknown. Algorithms developed to predict the effect of sequence changes on RNA splicing suggest that this variant may create or strengthen a splice site. In summary, the available evidence is currently insufficient to determine the role of this variant in disease. Therefore, it has been classified as a Variant of Uncertain Significance.

NC_000022.11:g.40345968C>G

Gene: ADSL (adenylosuccinate lyase; plus strand). Cytogenetic location: 22q13.1.
Variant type: single nucleotide variant.
Genome position: GRCh38 VCF-style: chr22-40345968-C-G. GRCh37 (hg19) VCF-style: chr22-40741972-C-G.
Identifiers: ClinVar variation 1369225 (VCV001369225.3), dbSNP rs742139, ClinGen allele CA324446459.